The following is an entry in ClinVar:

NM_022132.5(MCCC2):c.1081C>T (p.Arg361Ter)

Gene: MCCC2 (methylcrotonyl-CoA carboxylase subunit 2; plus strand). Cytogenetic location: 5q13.2.
Variant type: single nucleotide variant.
Coding change: c.1081C>T on transcript NM_022132.5 (MANE Select); coding-DNA position 1081, C replaced by T.
Protein change: p.Arg361Ter; replaces arginine 361 with a stop codon.
Molecular consequence: nonsense.
Genome position (GRCh38, 1-based): chr5:71,643,827, C>T. VCF-style: chr5-71643827-C-T. GRCh37 (hg19) VCF-style: chr5-70939654-C-T.
Other names: c.967C>T, p.Arg323Ter (NM_001363147.1); short protein forms R361*, R323*.
Identifiers: ClinVar variation 194114 (VCV000194114.16), dbSNP rs763293192, ClinGen allele CA274977.

ClinVar aggregate classification (germline): Pathogenic/Likely pathogenic. Review status: criteria provided, multiple submitters, no conflicts (2 of 4 stars). 5 submissions from 5 submitters: Pathogenic (3); Likely pathogenic (2). Last evaluated 2024-06-18.

Conditions:
3-methylcrotonyl-CoA carboxylase 2 deficiency. Also called: METHYLCROTONYLGLYCINURIA, TYPE II; 3 alpha methylcrotonyl-CoA carboxylase 2 deficiency; 3 alpha methylcrotonylglycinuria 2; MCC 2 deficiency; Methylcrotonylglycinuria type 2. Identifiers: Orphanet 6, MedGen C1859499, MONDO:0008862, OMIM 210210.

Allele frequency attached by ClinVar (database versions not stated): gnomAD exomes below 0.00001; TOPMed below 0.00001; ExAC 0.00001.
gnomAD v4.1: 3 of 1,613,996 alleles (0.00019%); highest among the groups gnomAD compares: East Asian, 0.0022%; no homozygotes.

Submissions (5):

Myriad Genetics, Inc.
Classification: Pathogenic for 3-methylcrotonyl-CoA carboxylase 2 deficiency. Last evaluated: 2024-06-18. Review status: criteria provided, single submitter. Criteria: Myriad Autosomal Dominant, Autosomal Recessive and X-Linked Classification Criteria (2023). Collection method: clinical testing. Allele origin: unknown.
Comment: NM_022132.4(MCCC2):c.1081C>T(R361*) is expected to be pathogenic in the context of 3-methylcrotonyl-CoA carboxylase deficiency, MCCC2-related. This variant is predicted to lead to an abnormal or absent protein product due to the creation of a premature termination codon in MCCC2, a gene where loss-of-function variants are known to be pathogenic. Please note: this variant was assessed in the context of healthy population screening.

Fulgent Genetics
Classification: Likely pathogenic for 3-methylcrotonyl-CoA carboxylase 2 deficiency. Last evaluated: 2024-04-08. Review status: criteria provided, single submitter. Criteria: ACMG Guidelines, 2015. Collection method: clinical testing. Allele origin: germline.

Labcorp Genetics (formerly Invitae), Labcorp
Classification: Pathogenic for 3-methylcrotonyl-CoA carboxylase 2 deficiency. Last evaluated: 2023-02-14. Review status: criteria provided, single submitter. Criteria: Invitae Variant Classification Sherloc (09022015). Collection method: clinical testing. Allele origin: germline.
Comment: Algorithms developed to predict the effect of sequence changes on RNA splicing suggest that this variant may disrupt the consensus splice site. This sequence change creates a premature translational stop signal (p.Arg361*) in the MCCC2 gene. It is expected to result in an absent or disrupted protein product. Loss-of-function variants in MCCC2 are known to be pathogenic (PMID: 11181649, 22642865). This variant is present in population databases (rs763293192, gnomAD 0.0009%). This variant has not been reported in the literature in individuals affected with MCCC2-related conditions. ClinVar contains an entry for this variant (Variation ID: 194114). For these reasons, this variant has been classified as Pathogenic.

Eurofins Ntd Llc (ga)
Classification: Pathogenic. Last evaluated: 2015-02-09. Review status: criteria provided, single submitter. Criteria: EGL Classification Definitions 2015. Collection method: clinical testing. Allele origin: germline. Observed: 2 variant alleles, 2 heterozygotes.

Juno Genomics, Hangzhou Juno Genomics, Inc
Classification: Likely pathogenic for 3-methylcrotonyl-CoA carboxylase 2 deficiency. Review status: criteria provided, single submitter. Criteria: ACMG Guidelines, 2015. Collection method: clinical testing. Allele origin: germline.
Comment: Null variant in a gene where loss of function (LOF) is a known mechanism of disease.;Absent from controls (or at extremely low frequency if recessive) in Genome Aggregation Database.

Literature cited by the submitters: PubMed 11181649 (cited by Labcorp Genetics (formerly Invitae), Labcorp); PubMed 22642865 (cited by Labcorp Genetics (formerly Invitae), Labcorp).